The following is an entry in ClinVar:

ClinVar aggregate classification (germline): Benign/Likely benign. Review status: criteria provided, multiple submitters, no conflicts (2 of 4 stars). 2 submissions from 2 submitters: Benign (1); Likely benign (1). Last evaluated 2026-04-22.

Conditions:
Colorectal cancer, susceptibility to, 1. Also called: COLORECTAL ADENOMA AND CANCER, SUSCEPTIBILITY TO; COLORECTAL CANCER, SUSCEPTIBILITY TO, ON CHROMOSOME 9. Identifiers: MedGen C1837315, MONDO:0012132, OMIM 608812.

gnomAD v4.1: 4 of 1,063,798 alleles (0.00038%); highest among the groups gnomAD compares: Non-Finnish European, 0.00045%; no homozygotes.

Submissions (2):

Myriad Genetics, Inc.
Classification: Benign for Colorectal cancer, susceptibility to, 1. Last evaluated: 2026-04-22. Review status: criteria provided, single submitter. Criteria: Myriad Autosomal Dominant, Autosomal Recessive and X-Linked Classification Criteria (2023). Collection method: clinical testing. Allele origin: unknown.
Comment: This variant is considered benign. This variant is a silent/synonymous amino acid change and it is not expected to impact splicing.

Ambry Genetics
Classification: Likely benign. Last evaluated: 2021-09-30. Review status: criteria provided, single submitter. Criteria: Ambry Variant Classification Scheme 2023. Collection method: clinical testing. Allele origin: germline.

NM_024642.5(GALNT12):c.114G>C (p.Arg38=)

Gene: GALNT12 (polypeptide N-acetylgalactosaminyltransferase 12; plus strand). Cytogenetic location: 9q22.33.
Variant type: single nucleotide variant.
Coding change: c.114G>C on transcript NM_024642.5 (MANE Select); coding-DNA position 114, G replaced by C.
Protein change: p.Arg38=; no amino-acid change (arginine 38 retained).
Molecular consequence: synonymous variant.
Genome position (GRCh38, 1-based): chr9:98,807,812, G>C. VCF-style: chr9-98807812-G-C. GRCh37 (hg19) VCF-style: chr9-101570094-G-C.
Identifiers: ClinVar variation 1733774 (VCV001733774.3), dbSNP rs2490455103, ClinGen allele CA466647364.